The following is an entry in ClinVar:

ClinVar aggregate classification (germline): Uncertain significance. Review status: criteria provided, multiple submitters, no conflicts (2 of 4 stars). 2 submissions from 2 submitters: Uncertain significance (2). Last evaluated 2025-08-11.

Conditions:
Inborn genetic diseases. Identifiers: MedGen C0950123, MeSH D030342.

gnomAD v4.1: 1 of 1,613,768 alleles (0.000062%); highest among the groups gnomAD compares: Non-Finnish European, 0.000085%; no homozygotes.

Submissions (2):

Labcorp Genetics (formerly Invitae), Labcorp
Classification: Uncertain significance. Last evaluated: 2025-08-11. Review status: criteria provided, single submitter. Criteria: Invitae Variant Classification Sherloc (09022015). Collection method: clinical testing. Allele origin: germline.
Comment: This sequence change replaces arginine, which is basic and polar, with glycine, which is neutral and non-polar, at codon 2532 of the COL7A1 protein (p.Arg2532Gly). This variant is not present in population databases (gnomAD no frequency). This variant has not been reported in the literature in individuals affected with COL7A1-related conditions. ClinVar contains an entry for this variant (Variation ID: 3835439). Invitae Evidence Modeling of protein sequence and biophysical properties (such as structural, functional, and spatial information, amino acid conservation, physicochemical variation, residue mobility, and thermodynamic stability) indicates that this missense variant is not expected to disrupt COL7A1 protein function with a negative predictive value of 95%. In summary, the available evidence is currently insufficient to determine the role of this variant in disease. Therefore, it has been classified as a Variant of Uncertain Significance.

Ambry Genetics
Classification: Uncertain significance for Inborn genetic diseases. Last evaluated: 2025-01-20. Review status: criteria provided, single submitter. Criteria: Ambry Variant Classification Scheme 2023. Collection method: clinical testing. Allele origin: germline.

NM_000094.4(COL7A1):c.7594C>G (p.Arg2532Gly)

Gene: COL7A1 (collagen type VII alpha 1 chain; minus strand). Cytogenetic location: 3p21.31.
Variant type: single nucleotide variant.
Coding change: c.7594C>G on transcript NM_000094.4 (MANE Select); coding-DNA position 7594, C replaced by G.
Protein change: p.Arg2532Gly; replaces arginine 2532 with glycine.
Molecular consequence: missense variant.
Genome position (GRCh38, 1-based): chr3:48,569,612, G>C on the plus strand (C>G on the coding strand, the complement: COL7A1 is on the minus strand). VCF-style: chr3-48569612-G-C. GRCh37 (hg19) VCF-style: chr3-48607045-G-C.
Other names: short protein forms R2532G.
Identifiers: ClinVar variation 3835439 (VCV003835439.2).